The following is an entry in ClinVar:

ClinVar aggregate classification (germline): Uncertain significance. Review status: criteria provided, multiple submitters, no conflicts (2 of 4 stars). 6 submissions from 6 submitters: Uncertain significance (6). Last evaluated 2025-12-29.

Conditions:
Familial adenomatous polyposis 1 (FAP1). Also called: FAMILIAL ADENOMATOUS POLYPOSIS 1, ATTENUATED; POLYPOSIS, ADENOMATOUS INTESTINAL. Identifiers: MedGen C2713442, MONDO:0021056, OMIM 175100. Disease mechanism: loss of function.
Hereditary cancer-predisposing syndrome. Also called: Neoplastic Syndromes, Hereditary; Tumor predisposition; Hereditary Cancer Syndrome; Hereditary neoplastic syndrome. Identifiers: Orphanet 140162, MedGen C0027672, MeSH D009386, MONDO:0015356.
Classic or attenuated familial adenomatous polyposis. Identifiers: MedGen CN372698, MONDO:0021057.

gnomAD v4.1: 1 of 1,613,970 alleles (0.000062%); no homozygotes.

Submissions (6):

Center for Genomic Medicine, Rigshospitalet, Copenhagen University Hospital
Classification: Uncertain significance. Last evaluated: 2025-12-29. Review status: criteria provided, single submitter. Criteria: ACMG Guidelines, 2015. Collection method: clinical testing. Allele origin: germline.
Comment: Classification criteria: BP1_supporting, PM2_supporting

Ambry Genetics
Classification: Uncertain significance for Hereditary cancer-predisposing syndrome. Last evaluated: 2024-09-13. Review status: criteria provided, single submitter. Criteria: Ambry Variant Classification Scheme 2023. Collection method: clinical testing. Allele origin: germline.
Comment: The p.A1731G variant (also known as c.5192C>G), located in coding exon 15 of the APC gene, results from a C to G substitution at nucleotide position 5192. The alanine at codon 1731 is replaced by glycine, an amino acid with similar properties. This amino acid position is highly conserved in available vertebrate species. In addition, in silico predictors for this gene do not accurately predict pathogenicity. Based on the available evidence, the clinical significance of this variant remains unclear.

Labcorp Genetics (formerly Invitae), Labcorp
Classification: Uncertain significance for Familial adenomatous polyposis 1. Last evaluated: 2024-09-04. Review status: criteria provided, single submitter. Criteria: Invitae Variant Classification Sherloc (09022015). Collection method: clinical testing. Allele origin: germline.
Comment: This sequence change replaces alanine, which is neutral and non-polar, with glycine, which is neutral and non-polar, at codon 1731 of the APC protein (p.Ala1731Gly). This variant is not present in population databases (gnomAD no frequency). This variant has not been reported in the literature in individuals affected with APC-related conditions. ClinVar contains an entry for this variant (Variation ID: 232267). Invitae Evidence Modeling of protein sequence and biophysical properties (such as structural, functional, and spatial information, amino acid conservation, physicochemical variation, residue mobility, and thermodynamic stability) indicates that this missense variant is not expected to disrupt APC protein function with a negative predictive value of 95%. In summary, the available evidence is currently insufficient to determine the role of this variant in disease. Therefore, it has been classified as a Variant of Uncertain Significance.

Institute for Biomarker Research, Medical Diagnostic Laboratories, L.L.C.
Classification: Uncertain significance for Hereditary cancer-predisposing syndrome. Last evaluated: 2024-03-22. Review status: criteria provided, single submitter. Criteria: ACMG Guidelines, 2015. Collection method: clinical testing. Allele origin: germline.

Baylor Genetics
Classification: Uncertain significance for Familial adenomatous polyposis 1. Last evaluated: 2023-07-07. Review status: criteria provided, single submitter. Criteria: ACMG Guidelines, 2015. Collection method: clinical testing. Allele origin: unknown.

All of Us Research Program, National Institutes of Health
Classification: Uncertain significance for Classic or attenuated familial adenomatous polyposis. Last evaluated: 2023-04-10. Review status: criteria provided, single submitter. Criteria: ACMG Guidelines, 2015. Collection method: clinical testing. Allele origin: germline. Inheritance: Autosomal dominant inheritance. Observed: 1 variant allele, 1 heterozygote.
Comment: This missense variant replaces alanine with glycine at codon 1731 of the APC protein. Computational prediction is inconclusive regarding the impact of this variant on protein structure and function (internally defined REVEL score threshold 0.5 < inconclusive < 0.7, PMID: 27666373). To our knowledge, functional studies have not been reported for this variant. This variant has not been reported in individuals affected with APC-related disorders in the literature. This variant has not been identified in the general population by the Genome Aggregation Database (gnomAD). The available evidence is insufficient to determine the role of this variant in disease conclusively. Therefore, this variant is classified as a Variant of Uncertain Significance.

This study involves interpretation of variants in research participants for the purpose of population health screening. Participant phenotype was not available at the time of variant classification. Additional details can be found in publication PMID: 35346344, PMCID: PMC8962531

NM_000038.6(APC):c.5192C>G (p.Ala1731Gly)

Gene: APC (APC regulator of Wnt signaling pathway; plus strand). Cytogenetic location: 5q22.2.
Variant type: single nucleotide variant.
Coding change: c.5192C>G on transcript NM_000038.6 (MANE Select); coding-DNA position 5192, C replaced by G.
Protein change: p.Ala1731Gly; replaces alanine 1731 with glycine.
Molecular consequence: missense variant.
Genome position (GRCh38, 1-based): chr5:112,840,786, C>G. VCF-style: chr5-112840786-C-G. GRCh37 (hg19) VCF-style: chr5-112176483-C-G.
Other names: c.4343C>G, p.Ala1448Gly (NM_001354906.2); c.5192C>G, p.Ala1731Gly (NM_001127510.3, NM_001354895.2); c.5138C>G, p.Ala1713Gly (NM_001127511.3); c.5246C>G, p.Ala1749Gly (NM_001354896.2); c.5222C>G, p.Ala1741Gly (NM_001354897.2); c.5117C>G, p.Ala1706Gly (NM_001354898.2); c.5108C>G, p.Ala1703Gly (NM_001354899.2); c.5069C>G, p.Ala1690Gly (NM_001354900.2); and 5 more; short protein forms A1713G, A1731G, A1605G, A1640G, A1741G, A1630G, A1706G, A1749G.
Identifiers: ClinVar variation 232267 (VCV000232267.21), dbSNP rs876659661, ClinGen allele CA10578398.
Genomic context (GRCh38, chr5:112,840,786, plus strand): 5'-CTGAATTGGATGACAATAAAGCAGAGGAAGGTGATATTCTTGCAGAATGCATTAATTCTG[C>G]TATGCCCAAAGGGAAAAGTCACAAGCCTTTCCGTGTGAAAAAGATAATGGACCAGGTCCA-3'
Protein context (NP_000029.2, residues 1721-1741): GDILAECINS[Ala1731Gly]MPKGKSHKPF